The following is an entry in ClinVar:

ClinVar aggregate classification (germline): Uncertain significance. Review status: criteria provided, multiple submitters, no conflicts (2 of 4 stars). 3 submissions from 3 submitters: Uncertain significance (3). Last evaluated 2025-03-17.

Conditions:
Periventricular nodular heterotopia 7 (PVNH7). Identifiers: MedGen C4310669, MONDO:0014966, OMIM 617201.

Allele frequency attached by ClinVar (database versions not stated): ExAC below 0.00001; gnomAD exomes below 0.00001 and 0.00001; TOPMed 0.00001; gnomAD 0.00002.
gnomAD v4.1: 11 of 1,584,136 alleles (0.00069%); highest among the groups gnomAD compares: Middle Eastern, 0.017%; no homozygotes.

Submissions (3):

Labcorp Genetics (formerly Invitae), Labcorp
Classification: Uncertain significance. Last evaluated: 2025-03-17. Review status: criteria provided, single submitter. Criteria: Invitae Variant Classification Sherloc (09022015). Collection method: clinical testing. Allele origin: germline.
Comment: This sequence change replaces leucine, which is neutral and non-polar, with phenylalanine, which is neutral and non-polar, at codon 869 of the NEDD4L protein (p.Leu869Phe). The frequency data for this variant in the population databases is considered unreliable, as metrics indicate poor data quality at this position in the gnomAD database. This variant has not been reported in the literature in individuals affected with NEDD4L-related conditions. ClinVar contains an entry for this variant (Variation ID: 871595). Invitae Evidence Modeling of protein sequence and biophysical properties (such as structural, functional, and spatial information, amino acid conservation, physicochemical variation, residue mobility, and thermodynamic stability) indicates that this missense variant is not expected to disrupt NEDD4L protein function with a negative predictive value of 80%. In summary, the available evidence is currently insufficient to determine the role of this variant in disease. Therefore, it has been classified as a Variant of Uncertain Significance.

Fulgent Genetics
Classification: Uncertain significance for Periventricular nodular heterotopia 7. Last evaluated: 2022-03-14. Review status: criteria provided, single submitter. Criteria: ACMG Guidelines, 2015. Collection method: clinical testing. Allele origin: unknown.

CeGaT Center for Human Genetics Tuebingen
Classification: Uncertain significance. Last evaluated: 2020-05-01. Review status: criteria provided, single submitter. Criteria: CeGaT Center For Human Genetics Tuebingen Variant Classification Criteria Version 2. Collection method: clinical testing. Allele origin: germline. Affected: yes. Observed: 3 variant alleles.

NM_001144967.3(NEDD4L):c.2665C>T (p.Leu889Phe)

Gene: NEDD4L (NEDD4 like E3 ubiquitin protein ligase; plus strand). Cytogenetic location: 18q21.31.
Variant type: single nucleotide variant.
Coding change: c.2665C>T on transcript NM_001144967.3 (MANE Select); coding-DNA position 2665, C replaced by T.
Protein change: p.Leu889Phe; replaces leucine 889 with phenylalanine.
Molecular consequence: missense variant.
Genome position (GRCh38, 1-based): chr18:58,390,655, C>T. VCF-style: chr18-58390655-C-T. GRCh37 (hg19) VCF-style: chr18-56057887-C-T.
Other names: c.2302C>T, p.Leu768Phe (NM_001144964.1, NM_001144965.2, NM_001144966.3); c.2641C>T, p.Leu881Phe (NM_001144968.2); c.2581C>T, p.Leu861Phe (NM_001144969.2); c.2242C>T, p.Leu748Phe (NM_001144970.3, NM_001144971.2); c.2473C>T, p.Leu825Phe (NM_001243960.2); c.2605C>T, p.Leu869Phe (NM_015277.6); short protein forms L768F, L861F, L869F, L881F, L889F, L748F, L825F.
Identifiers: ClinVar variation 871595 (VCV000871595.48), dbSNP rs775922627, ClinGen allele CA8976034.